The following is an entry in ClinVar:

ClinVar aggregate classification (germline): Uncertain significance. Review status: criteria provided, single submitter (1 of 4 stars). 2 submissions from 2 submitters: Uncertain significance (1). 1 of the submissions does not count toward it. Last evaluated 2023-10-03.

Conditions:
RNASEH1-related disorder. Also called: RNASEH1-related condition.

Allele frequency attached by ClinVar (database versions not stated): ExAC 0.00002; gnomAD exomes 0.00002 and 0.00005; TOPMed 0.00002; gnomAD 0.00003 and 0.00004.
gnomAD v4.1: 84 of 1,612,724 alleles (0.0052%); highest among the groups gnomAD compares: Non-Finnish European, 0.0063%; no homozygotes.

Submissions (2):

Labcorp Genetics (formerly Invitae), Labcorp
Classification: Uncertain significance. Last evaluated: 2023-10-03. Review status: criteria provided, single submitter. Criteria: Invitae Variant Classification Sherloc (09022015). Collection method: clinical testing. Allele origin: germline.
Comment: This sequence change replaces asparagine, which is neutral and polar, with serine, which is neutral and polar, at codon 203 of the RNASEH1 protein (p.Asn203Ser). This variant is present in population databases (rs755836375, gnomAD 0.008%). This variant has not been reported in the literature in individuals affected with RNASEH1-related conditions. ClinVar contains an entry for this variant (Variation ID: 1359718). Advanced modeling of protein sequence and biophysical properties (such as structural, functional, and spatial information, amino acid conservation, physicochemical variation, residue mobility, and thermodynamic stability) performed at Invitae indicates that this missense variant is not expected to disrupt RNASEH1 protein function. In summary, the available evidence is currently insufficient to determine the role of this variant in disease. Therefore, it has been classified as a Variant of Uncertain Significance.

PreventionGenetics, part of Exact Sciences
Classification: Uncertain significance for RNASEH1-related condition. Last evaluated: 2024-06-02. Review status: no assertion criteria provided. Collection method: clinical testing. Allele origin: germline. Not counted in ClinVar's aggregate classification.
Comment: The RNASEH1 c.608A>G variant is predicted to result in the amino acid substitution p.Asn203Ser. To our knowledge, this variant has not been reported in the literature. This variant is reported in 0.0080% of alleles in individuals of African descent in gnomAD. At this time, the clinical significance of this variant is uncertain due to the absence of conclusive functional and genetic evidence.

NM_002936.6(RNASEH1):c.608A>G (p.Asn203Ser)

Gene: RNASEH1 (ribonuclease H1; minus strand). Cytogenetic location: 2p25.3.
Variant type: single nucleotide variant.
Coding change: c.608A>G on transcript NM_002936.6 (MANE Select); coding-DNA position 608, A replaced by G.
Protein change: p.Asn203Ser; replaces asparagine 203 with serine.
Molecular consequence: missense variant. On other transcripts: non-coding transcript variant (7).
Genome position (GRCh38, 1-based): chr2:3,548,681, T>C on the plus strand (A>G on the coding strand, the complement: RNASEH1 is on the minus strand). VCF-style: chr2-3548681-T-C. GRCh37 (hg19) VCF-style: chr2-3596271-T-C.
Other names: c.530A>G, p.Asn177Ser (NM_001286834.3); c.257A>G, p.Asn86Ser (NM_001286837.3); c.608A>G, p.Asn203Ser (NM_001378271.1); c.605A>G, p.Asn202Ser (NM_001378272.1); c.593A>G, p.Asn198Ser (NM_001378273.1); c.608A>G (NM_002936.4); short protein forms N202S, N203S, N177S, N198S, N86S.
Identifiers: ClinVar variation 1359718 (VCV001359718.5), dbSNP rs755836375, ClinGen allele CA1516187.